The following is an entry in ClinVar:

NM_001080421.3(UNC13A):c.1710C>T (p.Cys570=)

Gene: UNC13A (unc-13 homolog A; minus strand). Cytogenetic location: 19p13.11.
Variant type: single nucleotide variant.
Coding change: c.1710C>T on transcript NM_001080421.3 (MANE Select); coding-DNA position 1710, C replaced by T.
Protein change: p.Cys570=; no amino-acid change (cysteine 570 retained).
Molecular consequence: synonymous variant.
Genome position (GRCh38, 1-based): chr19:17,648,537, G>A on the plus strand (C>T on the coding strand, the complement: UNC13A is on the minus strand). VCF-style: chr19-17648537-G-A. GRCh37 (hg19) VCF-style: chr19-17759346-G-A.
Other names: c.1704C>T, p.Cys568= (NM_001387021.1, NM_001387022.1, NM_001387023.1).
Identifiers: ClinVar variation 4977477 (VCV004977477.1).

ClinVar aggregate classification (germline): Likely benign (1 of 4 stars; one submission).

Conditions:
UNC13A-related disorder. Also called: UNC13A-related condition.

Submission:

PreventionGenetics, part of Exact Sciences
Classification: Likely benign for UNC13A-related condition. Last evaluated: 2025-02-13. Review status: criteria provided, single submitter. Criteria: ACMG Guidelines, 2015. Collection method: clinical testing. Allele origin: germline.
Comment: This variant is classified as likely benign based on ACMG/AMP sequence variant interpretation guidelines (Richards et al. 2015 PMID: 25741868, with internal and published modifications).